The following is an entry in ClinVar:

ClinVar aggregate classification (germline): Pathogenic/Likely pathogenic. Review status: criteria provided, multiple submitters, no conflicts (2 of 4 stars). 9 submissions from 9 submitters: Pathogenic (3); Likely pathogenic (5). 1 of the submissions does not count toward it. Last evaluated 2025-12-30.

Conditions:
Pontoneocerebellar hypoplasia. Also called: Non-syndromic pontocerebellar hypoplasia; Pontocerebellar hypoplasia. Identifiers: Orphanet 98523, MedGen C1261175, MONDO:0020135.
Pontocerebellar hypoplasia type 2D (PCH2D). Also called: Progressive cerebello-cerebral atrophy. Identifiers: Orphanet 247198, Orphanet 2524, MedGen C3151140, MONDO:0013438, OMIM 613811.

Allele frequency attached by ClinVar (database versions not stated): ExAC 0.00001; gnomAD exomes 0.00002; TOPMed 0.00002; gnomAD 0.00001.
gnomAD v4.1: 19 of 1,556,290 alleles (0.0012%); highest among the groups gnomAD compares: Admixed American, 0.005%; no homozygotes.

Submissions (9):

Labcorp Genetics (formerly Invitae), Labcorp
Classification: Pathogenic. Last evaluated: 2025-12-30. Review status: criteria provided, single submitter. Criteria: Invitae Variant Classification Sherloc (09022015). Collection method: clinical testing. Allele origin: germline.
Comment: This sequence change replaces alanine, which is neutral and non-polar, with threonine, which is neutral and polar, at codon 239 of the SEPSECS protein (p.Ala239Thr). This variant is present in population databases (rs267607035, gnomAD 0.01%). This missense change has been observed in individual(s) with progressive cerebellocerebral atrophy (PMID: 20920667). In at least one individual the data is consistent with being in trans (on the opposite chromosome) from a pathogenic variant. ClinVar contains an entry for this variant (Variation ID: 18401). Invitae Evidence Modeling of protein sequence and biophysical properties (such as structural, functional, and spatial information, amino acid conservation, physicochemical variation, residue mobility, and thermodynamic stability) indicates that this missense variant is not expected to disrupt SEPSECS protein function with a negative predictive value of 80%. Experimental studies have shown that this missense change affects SEPSECS function (PMID: 20920667, 27576344). For these reasons, this variant has been classified as Pathogenic.

Natera, Inc.
Classification: Likely pathogenic for Pontocerebellar hypoplasia type 2d. Last evaluated: 2025-10-22. Review status: criteria provided, single submitter. Criteria: Natera Variant Classification Schema (03/2026). Collection method: clinical testing. Allele origin: germline.
Comment: The c.715G>A variant in SEPSECS is a missense variant predicted to cause substitution of alanine to threonine at amino acid 239. This variant is rare in the general population with a frequency below the threshold expected for the associated phenotype(s). This variant has been observed in one or more individuals affected with the associated recessive disease, as either homozygous or compound heterozygous with a second variant (PMID: 20920667, 39825153, 33600046). Computational prediction algorithms indicate this variant is likely to affect gene or protein function. Given the available evidence, this variant is classified as Likely Pathogenic.

Myriad Genetics, Inc.
Classification: Likely pathogenic for Pontocerebellar hypoplasia type 2D. Last evaluated: 2025-02-21. Review status: criteria provided, single submitter. Criteria: Myriad Autosomal Dominant, Autosomal Recessive and X-Linked Classification Criteria (2023). Collection method: clinical testing. Allele origin: unknown.
Comment: NM_016955.3(SEPSECS):c.715G>A(A239T) is a missense variant classified as likely pathogenic in the context of pontocerebellar hypoplasia, SEPSECS-related. A239T has been observed in cases with relevant disease (PMID: 20920667, 39825153, 33600046). Relevant functional assessments of this variant are available in the literature (PMID: 20920667, 27576344). A239T has been observed in referenced population frequency databases. In summary, NM_016955.3(SEPSECS):c.715G>A(A239T) is a missense variant that has been observed more frequently in cases with the relevant disease than in healthy populations. Please note: this variant was assessed in the context of healthy population screening.

GeneDx
Classification: Likely pathogenic. Last evaluated: 2024-04-25. Review status: criteria provided, single submitter. Criteria: GeneDx Variant Classification Process June 2021. Collection method: clinical testing. Allele origin: germline. Affected: yes.
Comment: Published functional studies demonstrate the p.(A239T) variant results in a non-functional misfolded protein and therefore results in a loss of enzyme activity (PMID: 27576344, 20920667); Observed in three unrelated patients with a second variant on the opposite allele (in trans) in the published literature (PMID: 20920667, 33600046); In silico analysis supports that this missense variant has a deleterious effect on protein structure/function; Not observed at significant frequency in large population cohorts (gnomAD); In silico analysis is inconclusive as to whether the variant alters gene splicing. In the absence of RNA/functional studies, the actual effect of this sequence change is unknown.; This variant is associated with the following publications: (PMID: 20920667, 31589614, 33600046, 27576344)

Fulgent Genetics
Classification: Likely pathogenic for Pontocerebellar hypoplasia type 2D. Last evaluated: 2024-02-22. Review status: criteria provided, single submitter. Criteria: ACMG Guidelines, 2015. Collection method: clinical testing. Allele origin: germline.

Department of Pathology and Laboratory Medicine, Sinai Health System
Classification: Pathogenic for Pontocerebellar hypoplasia type 2D. Last evaluated: 2023-04-24. Review status: criteria provided, single submitter. Criteria: ACMG Guidelines, 2015. Collection method: research. Allele origin: germline.

Women's Health and Genetics/Laboratory Corporation of America, LabCorp
Classification: Pathogenic for Pontoneocerebellar hypoplasia. Last evaluated: 2021-08-16. Review status: criteria provided, single submitter. Criteria: LabCorp Variant Classification Summary - May 2015. Collection method: clinical testing. Allele origin: germline.
Comment: Variant summary: SEPSECS c.715G>A (p.Ala239Thr) results in a non-conservative amino acid change in the encoded protein sequence. Four of five in-silico tools predict a damaging effect of the variant on protein function. The variant allele was found at a frequency of 4.4e-05 in 252236 control chromosomes (gnomAD and publication data). This frequency is not significantly higher than expected for a pathogenic variant in SEPSECS causing Pontocerebellar Hypoplasia, Type 2D (4.4e-05 vs 0.0011), allowing no conclusion about variant significance. c.715G>A has been reported in the literature in individuals affected with progressive cerebellocerebral atrophy or progressive axonal polyneuropathy (Agamy_2010, Iwama_2016, Keller_2021). These data indicate that the variant is likely to be associated with disease. At least two functional studies report experimental evidence evaluating an impact on protein function and this variant caused complete inactivity of SEPSECS due to it's insolubility and inability to form productive tetramers (Agamy_2010, Puppala_2016). Two ClinVar submitters (evaluation after 2014) cite the variant as pathogenic and likely pathogenic. Based on the evidence outlined above, the variant was classified as pathogenic.

Institute of Human Genetics, Cologne University
Classification: Likely pathogenic for Pontocerebellar hypoplasia type 2D. Last evaluated: 2020-09-30. Review status: criteria provided, single submitter. Criteria: ACMG Guidelines, 2015. Collection method: research. Allele origin: maternal. Affected: yes.

OMIM
Classification: Pathogenic for PONTOCEREBELLAR HYPOPLASIA, TYPE 2D. Last evaluated: 2010-10-08. Review status: no assertion criteria provided. Collection method: literature only. Allele origin: germline. Not counted in ClinVar's aggregate classification.

Literature cited by the submitters: PubMed 20920667 (cited by 5 submitters); PubMed 27576344 (cited by 3 submitters); PubMed 39825153 (cited by Natera, Inc. and Myriad Genetics, Inc.); PubMed 33600046 (cited by 3 submitters); PubMed 27175728 (cited by Women's Health and Genetics/Laboratory Corporation of America, LabCorp); PubMed 31589614 (cited by Women's Health and Genetics/Laboratory Corporation of America, LabCorp); PubMed 29709707 (cited by Women's Health and Genetics/Laboratory Corporation of America, LabCorp); PubMed 26888482 (cited by Women's Health and Genetics/Laboratory Corporation of America, LabCorp); PubMed 23052947 (cited by Women's Health and Genetics/Laboratory Corporation of America, LabCorp); PubMed 23275319 (cited by Women's Health and Genetics/Laboratory Corporation of America, LabCorp); PubMed 27473727 (cited by Women's Health and Genetics/Laboratory Corporation of America, LabCorp); PubMed 24305467 (cited by Women's Health and Genetics/Laboratory Corporation of America, LabCorp); PubMed 25880436 (cited by Women's Health and Genetics/Laboratory Corporation of America, LabCorp).

NM_016955.4(SEPSECS):c.715G>A (p.Ala239Thr)

Gene: SEPSECS (Sep (O-phosphoserine) tRNA:Sec (selenocysteine) tRNA synthase; minus strand). Cytogenetic location: 4p15.2.
Variant type: single nucleotide variant.
Coding change: c.715G>A on transcript NM_016955.4 (MANE Select); coding-DNA position 715, G replaced by A.
Protein change: p.Ala239Thr; replaces alanine 239 with threonine.
Molecular consequence: missense variant.
Genome position (GRCh38, 1-based): chr4:25,152,049, C>T on the plus strand (G>A on the coding strand, the complement: SEPSECS is on the minus strand). VCF-style: chr4-25152049-C-T. GRCh37 (hg19) VCF-style: chr4-25153671-C-T.
Other names: short protein forms A239T.
Identifiers: ClinVar variation 18401 (VCV000018401.16), dbSNP rs267607035, ClinGen allele CA114253.